The following is an entry in ClinVar:

ClinVar aggregate classification (germline): Uncertain significance. Review status: criteria provided, multiple submitters, no conflicts (2 of 4 stars). 3 submissions from 3 submitters: Uncertain significance (3). Last evaluated 2025-10-23.

Conditions:
Aicardi-Goutieres syndrome 7 (AGS7). Identifiers: Orphanet 51, MedGen C3888244, MONDO:0014367, OMIM 615846.
Singleton-Merten syndrome 1 (SGMRT1). Also called: Widened medullary cavities of bone, aortic calcification, abnormal dentition, and muscular weakness; Syndrome of widened medullary cavities of the metacarpals and phalanges, aortic calcification and abnormal dentition. Identifiers: Orphanet 85191, MedGen C4225427, MONDO:0024535, OMIM 182250.

Allele frequency attached by ClinVar (database versions not stated): ExAC 0.00001; gnomAD 0.00001; gnomAD exomes 0.00001.
gnomAD v4.1: 12 of 1,610,372 alleles (0.00075%); highest among the groups gnomAD compares: South Asian, 0.0055%; no homozygotes.

Submissions (3):

Women's Health and Genetics/Laboratory Corporation of America, LabCorp
Classification: Uncertain significance. Last evaluated: 2025-10-23. Review status: criteria provided, single submitter. Criteria: LabCorp Variant Classification Summary - May 2015. Collection method: clinical testing. Allele origin: germline.
Comment: Variant summary: IFIH1 c.2368A>G (p.Thr790Ala) results in a non-conservative amino acid change in the encoded protein sequence. Algorithms developed to predict the effect of missense changes on protein structure and function are either unavailable or do not agree on the potential impact of this missense change. The variant allele was found at a frequency of 1.2e-05 in 250374 control chromosomes. The available data on variant occurrences in the general population are insufficient to allow any conclusion about variant significance. To our knowledge, no occurrence of c.2368A>G in individuals affected with IFIH1-related conditions and no experimental evidence demonstrating its impact on protein function have been reported. ClinVar contains an entry for this variant (Variation ID: 1493894). Based on the evidence outlined above, the variant was classified as uncertain significance.

Labcorp Genetics (formerly Invitae), Labcorp
Classification: Uncertain significance for Aicardi-Goutieres syndrome 7; Singleton-Merten syndrome 1. Last evaluated: 2024-06-29. Review status: criteria provided, single submitter. Criteria: Invitae Variant Classification Sherloc (09022015). Collection method: clinical testing. Allele origin: germline.
Comment: This sequence change replaces threonine, which is neutral and polar, with alanine, which is neutral and non-polar, at codon 790 of the IFIH1 protein (p.Thr790Ala). This variant is present in population databases (rs770138422, gnomAD 0.007%). This variant has not been reported in the literature in individuals affected with IFIH1-related conditions. ClinVar contains an entry for this variant (Variation ID: 1493894). Advanced modeling of protein sequence and biophysical properties (such as structural, functional, and spatial information, amino acid conservation, physicochemical variation, residue mobility, and thermodynamic stability) has been performed at Invitae for this missense variant, however the output from this modeling did not meet the statistical confidence thresholds required to predict the impact of this variant on IFIH1 protein function. In summary, the available evidence is currently insufficient to determine the role of this variant in disease. Therefore, it has been classified as a Variant of Uncertain Significance.

Pittsburgh Clinical Genomics Laboratory, University of Pittsburgh Medical Center
Classification: Uncertain significance for Aicardi-Goutieres syndrome 7. Last evaluated: 2024-05-22. Review status: criteria provided, single submitter. Criteria: ACMG Guidelines, 2015. Collection method: clinical testing. Allele origin: germline. Inheritance: Autosomal unknown. Affected: yes.
Comment: This sequence variant is a single nucleotide substitution (A>G) at position 2368 of the coding sequence of the IFIH1 gene that results in a threonine to alanine amino acid change at residue 790 of the interferon induced with helicase C domain 1 protein. This residue falls in the helicase C-terminal domain (UniProt) which plays a critical role in protein function. This is a previously reported variant (ClinVar 1493894) that has not been observed in individuals affected by IFIH1-related conditions in the published literature, to our knowledge. This variant is present in 12 of 1610372 alleles (0.0007452%) in the gnomAD v4.1.0 population database. Multiple bioinformatic tools predict that this threonine to alanine amino acid change would be damaging, and the Thr790 residue at this position is highly conserved across the vertebrate species examined. Studies examining the functional consequence of this variant have not been published, to our knowledge. At this time, there is insufficient evidence to determine if this variant is pathogenic or benign. Therefore, we consider this a variant of uncertain significance. ACMG Criteria: PM2, PP3

NM_022168.4(IFIH1):c.2368A>G (p.Thr790Ala)

Gene: IFIH1 (interferon induced with helicase C domain 1; minus strand). Cytogenetic location: 2q24.2.
Variant type: single nucleotide variant.
Coding change: c.2368A>G on transcript NM_022168.4 (MANE Select); coding-DNA position 2368, A replaced by G.
Protein change: p.Thr790Ala; replaces threonine 790 with alanine.
Molecular consequence: missense variant.
Genome position (GRCh38, 1-based): chr2:162,273,881, T>C on the plus strand (A>G on the coding strand, the complement: IFIH1 is on the minus strand). VCF-style: chr2-162273881-T-C. GRCh37 (hg19) VCF-style: chr2-163130391-T-C.
Other names: short protein forms T790A.
Identifiers: ClinVar variation 1493894 (VCV001493894.10), dbSNP rs770138422, ClinGen allele CA1934210.
Genomic context (GRCh38, chr2:162,273,881, plus strand): 5'-CGAGACCATAACGGATAACAATGTTACATTCTTTAATATCCAGACCTTCTTCTGCCACTG[T>C]GGTAGCGATAAGCAGATTTATTTTTCCAGTGCGAAATTTACTAATGACTTCTTTTTGTTC-3'
Protein context (NP_071451.2, residues 780-800): TGKINLLIAT[Thr790Ala]VAEEGLDIKE